The following is an entry in ClinVar:

ClinVar aggregate classification (germline): Benign (1 of 4 stars; one submission).

Allele frequency attached by ClinVar (database versions not stated): gnomAD exomes 0.00019; 1000 Genomes Project 0.00120; gnomAD 0.00163; 1000 Genomes Project 30x 0.00172; TOPMed 0.00196.
gnomAD v4.1: 306 of 398,584 alleles (0.077%); highest among the groups gnomAD compares: African/African-American, 0.57%; no homozygotes.

Submission:

CeGaT Center for Human Genetics Tuebingen
Classification: Benign. Last evaluated: 2026-09-01. Review status: criteria provided, single submitter. Criteria: CeGaT Center For Human Genetics Tuebingen Variant Classification Criteria Version 2. Collection method: clinical testing. Allele origin: germline. Affected: yes. Observed: 2 variant alleles.
Comment: KCNQ1OT1: BS1, BS2

NM_000218.3(KCNQ1):c.1394-3815C>G

Genes: KCNQ1 (potassium voltage-gated channel subfamily Q member 1; plus strand), KCNQ1OT1 (KCNQ1 opposite strand/antisense transcript 1; minus strand). Cytogenetic location: 11p15.5.
Variant type: single nucleotide variant.
Coding change: c.1394-3815C>G on transcript NM_000218.3 (MANE Select); 3815 bases into the intron before coding-DNA position 1394, C replaced by G.
Molecular consequence: intron variant. On other transcripts: non-coding transcript variant (1).
Genome position (GRCh38, 1-based): chr11:2,658,146, C>G. VCF-style: chr11-2658146-C-G. GRCh37 (hg19) VCF-style: chr11-2679376-C-G.
Other names: c.1124-3815C>G (NM_001406837.1); c.1298-3815C>G (NM_001406836.1); c.854-3815C>G (NM_001406838.1); c.1013-3815C>G (NM_181798.2).
Identifiers: ClinVar variation 2641443 (VCV002641443.24), dbSNP rs193076847, ClinGen allele CA216167894.
Genomic context (GRCh38, chr11:2,658,146, plus strand): 5'-ACTCTACCTCCTGCAGGAGAGTATCAAAAAAAATCTGCAAATATGTTAAAACTACCACAG[C>G]AATTAAAATACATTTCAAGGAAGAAACTGTGAAGTTTCTGAGTTTCACTAACTAATTTCA-3'